The following is an entry in ClinVar:

NM_001346022.3(USP45):c.1117G>A (p.Val373Met)

Gene: USP45 (ubiquitin specific peptidase 45; minus strand). Cytogenetic location: 6q16.2.
Variant type: single nucleotide variant.
Coding change: c.1117G>A on transcript NM_001346022.3 (MANE Select); coding-DNA position 1117, G replaced by A.
Protein change: p.Val373Met; replaces valine 373 with methionine.
Molecular consequence: missense variant. On other transcripts: non-coding transcript variant (5).
Genome position (GRCh38, 1-based): chr6:99,465,127, C>T on the plus strand (G>A on the coding strand, the complement: USP45 is on the minus strand). VCF-style: chr6-99465127-C-T. GRCh37 (hg19) VCF-style: chr6-99913003-C-T.
Other names: c.1117G>A, p.Val373Met (NM_001080481.3, NM_001346021.3, NM_001346026.3 and 1 more transcripts); c.1114G>A, p.Val372Met (NM_001346023.3); c.943G>A, p.Val315Met (NM_001346024.3); c.940G>A, p.Val314Met (NM_001346025.3); c.37G>A, p.Val13Met (NM_001346027.3, NM_001346028.3, NM_001346029.3); short protein forms V314M, V315M, V373M, V13M, V372M.
Identifiers: ClinVar variation 4991255 (VCV004991255.1).

ClinVar aggregate classification (germline): Benign (1 of 4 stars; one submission).

Conditions:
USP45-related disorder. Also called: USP45-related condition.

gnomAD v4.1: 693 of 1,593,228 alleles (0.043%); highest among the groups gnomAD compares: East Asian, 1.5%; 10 homozygotes.

Submission:

PreventionGenetics, part of Exact Sciences
Classification: Benign for USP45-related condition. Last evaluated: 2025-09-26. Review status: criteria provided, single submitter. Criteria: ACMG Guidelines, 2015. Collection method: clinical testing. Allele origin: germline.
Comment: This variant is classified as benign based on ACMG/AMP sequence variant interpretation guidelines (Richards et al. 2015 PMID: 25741868, with internal and published modifications).